The following is an entry in ClinVar:

ClinVar aggregate classification (germline): Uncertain significance (1 of 4 stars; one submission).

Submission:

Labcorp Genetics (formerly Invitae), Labcorp
Classification: Uncertain significance. Last evaluated: 2026-01-27. Review status: criteria provided, single submitter. Criteria: Invitae Variant Classification Sherloc (09022015). Collection method: clinical testing. Allele origin: germline.
Comment: This sequence change replaces threonine, which is neutral and polar, with alanine, which is neutral and non-polar, at codon 21 of the RRAGA protein (p.Thr21Ala). This variant is not present in population databases (gnomAD no frequency). This variant has not been reported in the literature in individuals affected with RRAGA-related conditions. An algorithm developed to predict the effect of missense changes on protein structure and function (PolyPhen-2) suggests that this variant is likely to be disruptive. In summary, the available evidence is currently insufficient to determine the role of this variant in disease. Therefore, it has been classified as a Variant of Uncertain Significance.

NM_006570.5(RRAGA):c.61A>G (p.Thr21Ala)

Gene: RRAGA (Ras related GTP binding A; plus strand). Cytogenetic location: 9p22.1.
Variant type: single nucleotide variant.
Coding change: c.61A>G on transcript NM_006570.5 (MANE Select); coding-DNA position 61, A replaced by G.
Protein change: p.Thr21Ala; replaces threonine 21 with alanine.
Molecular consequence: missense variant.
Genome position (GRCh38, 1-based): chr9:19,049,720, A>G. VCF-style: chr9-19049720-A-G. GRCh37 (hg19) VCF-style: chr9-19049718-A-G.
Other names: short protein forms T21A.
Identifiers: ClinVar variation 4736327 (VCV004736327.1).